The following is an entry in ClinVar:

NM_018026.4(PACS1):c.1553T>G (p.Leu518Arg)

Gene: PACS1 (phosphofurin acidic cluster sorting protein 1; plus strand). Cytogenetic location: 11q13.2.
Variant type: single nucleotide variant.
Coding change: c.1553T>G on transcript NM_018026.4 (MANE Select); coding-DNA position 1553, T replaced by G.
Protein change: p.Leu518Arg; replaces leucine 518 with arginine.
Molecular consequence: missense variant.
Genome position (GRCh38, 1-based): chr11:66,230,867, T>G. VCF-style: chr11-66230867-T-G. GRCh37 (hg19) VCF-style: chr11-65998338-T-G.
Other names: short protein forms L518R.
Identifiers: ClinVar variation 2430955 (VCV002430955.1), dbSNP rs1590837237, ClinGen allele CA381367452.

ClinVar aggregate classification (germline): Uncertain significance (1 of 4 stars; one submission).

Submission:

GeneDx
Classification: Uncertain significance. Last evaluated: 2022-08-26. Review status: criteria provided, single submitter. Criteria: GeneDx Variant Classification Process June 2021. Collection method: clinical testing. Allele origin: germline. Affected: yes.
Comment: Not observed at significant frequency in large population cohorts (gnomAD); In silico analysis supports that this missense variant does not alter protein structure/function; Has not been previously published as pathogenic or benign to our knowledge